The following is an entry in ClinVar:

NM_000260.4(MYO7A):c.4249A>C (p.Ile1417Leu)

Gene: MYO7A (myosin VIIA; plus strand). Cytogenetic location: 11q13.5.
Variant type: single nucleotide variant.
Coding change: c.4249A>C on transcript NM_000260.4 (MANE Select); coding-DNA position 4249, A replaced by C.
Protein change: p.Ile1417Leu; replaces isoleucine 1417 with leucine.
Molecular consequence: missense variant.
Genome position (GRCh38, 1-based): chr11:77,194,450, A>C. VCF-style: chr11-77194450-A-C. GRCh37 (hg19) VCF-style: chr11-76905495-A-C.
Other names: c.4249A>C, p.Ile1417Leu (NM_001127180.2); c.4216A>C, p.Ile1406Leu (NM_001369365.1); short protein forms I1417L, I1406L.
Identifiers: ClinVar variation 1404867 (VCV001404867.8), dbSNP rs1956488489, ClinGen allele CA381949267.

ClinVar aggregate classification (germline): Uncertain significance (1 of 4 stars; one submission).

Submission:

Labcorp Genetics (formerly Invitae), Labcorp
Classification: Uncertain significance. Last evaluated: 2021-07-09. Review status: criteria provided, single submitter. Criteria: Invitae Variant Classification Sherloc (09022015). Collection method: clinical testing. Allele origin: germline.
Comment: This sequence change replaces isoleucine with leucine at codon 1417 of the MYO7A protein (p.Ile1417Leu). The isoleucine residue is highly conserved and there is a small physicochemical difference between isoleucine and leucine. This variant is not present in population databases (ExAC no frequency). This variant has not been reported in the literature in individuals affected with MYO7A-related conditions. Advanced modeling of protein sequence and biophysical properties (such as structural, functional, and spatial information, amino acid conservation, physicochemical variation, residue mobility, and thermodynamic stability) performed at Invitae indicates that this missense variant is not expected to disrupt MYO7A protein function. In summary, the available evidence is currently insufficient to determine the role of this variant in disease. Therefore, it has been classified as a Variant of Uncertain Significance.